The following is an entry in ClinVar:

ClinVar aggregate classification (germline): Uncertain significance (1 of 4 stars; one submission).

Conditions:
Joubert syndrome. Also called: CEREBELLOPARENCHYMAL DISORDER IV; JOUBERT-BOLTSHAUSER SYNDROME; Familial aplasia of the vermis. Identifiers: Orphanet 475, MedGen C5979921, MONDO:0018772.
Meckel-Gruber syndrome. Also called: DYSENCEPHALIA SPLANCHNOCYSTICA; GRUBER SYNDROME; Dysencephalia splachnocystica. Identifiers: Orphanet 564, MedGen C0265215, MONDO:0018921.

Allele frequency attached by ClinVar (database versions not stated): gnomAD exomes below 0.00001; gnomAD 0.00001; ExAC 0.00002.
gnomAD v4.1: 5 of 1,612,852 alleles (0.00031%); highest among the groups gnomAD compares: Admixed American, 0.0017%; no homozygotes.

Submission:

Labcorp Genetics (formerly Invitae), Labcorp
Classification: Uncertain significance for Joubert syndrome; Meckel-Gruber syndrome. Last evaluated: 2022-08-21. Review status: criteria provided, single submitter. Criteria: Invitae Variant Classification Sherloc (09022015). Collection method: clinical testing. Allele origin: germline.
Comment: This sequence change replaces threonine, which is neutral and polar, with alanine, which is neutral and non-polar, at codon 423 of the MKS1 protein (p.Thr423Ala). This variant is present in population databases (rs763627565, gnomAD 0.002%). This variant has not been reported in the literature in individuals affected with MKS1-related conditions. Advanced modeling of protein sequence and biophysical properties (such as structural, functional, and spatial information, amino acid conservation, physicochemical variation, residue mobility, and thermodynamic stability) performed at Invitae indicates that this missense variant is not expected to disrupt MKS1 protein function. In summary, the available evidence is currently insufficient to determine the role of this variant in disease. Therefore, it has been classified as a Variant of Uncertain Significance.

NM_017777.4(MKS1):c.1267A>G (p.Thr423Ala)

Gene: MKS1 (MKS transition zone complex subunit 1; minus strand). Cytogenetic location: 17q22.
Variant type: single nucleotide variant.
Coding change: c.1267A>G on transcript NM_017777.4 (MANE Select); coding-DNA position 1267, A replaced by G.
Protein change: p.Thr423Ala; replaces threonine 423 with alanine.
Molecular consequence: missense variant.
Genome position (GRCh38, 1-based): chr17:58,207,900, T>C on the plus strand (A>G on the coding strand, the complement: MKS1 is on the minus strand). VCF-style: chr17-58207900-T-C. GRCh37 (hg19) VCF-style: chr17-56285261-T-C.
Other names: c.658A>G, p.Thr220Ala (NM_001321268.2); c.1267A>G, p.Thr423Ala (NM_001321269.2, NM_001330397.2, NM_001411113.1); short protein forms T423A, T220A.
Identifiers: ClinVar variation 2165972 (VCV002165972.4), dbSNP rs763627565, ClinGen allele CA8669219.
Genomic context (GRCh38, chr17:58,207,900, plus strand): 5'-TGTTCTTAGGGCCTAGGGCATGTGGGCCACAGAAGGGCAGAGACGAGCGGTTACCTGGAG[T>C]GGCAGGCAGCACCACAGCCCCATAGCCTTCCACACGGTACCTCTGCCAGAAGTCCAGCGA-3'
Protein context (NP_060247.2, residues 413-433): EGYGAVVLPA[Thr423Ala]PGSHTLTVST